The following is an entry in ClinVar:

ClinVar aggregate classification (germline): Uncertain significance (0 of 4 stars; one submission).

Conditions:
Marfan syndrome (MFS). Also called: MARFAN SYNDROME, TYPE I; Marfan syndrome type 1; Marfan's syndrome; FBN1-Related Marfan Syndrome; Marfan syndrome, classic. Identifiers: Orphanet 284963, Orphanet 558, MedGen C0024796, MONDO:0007947, OMIM 154700.

Submission:

Department of Laboratory Medicine and Genetics, Samsung Medical Center
Classification: Uncertain significance for Marfan syndrome. Last evaluated: 2025-01-02. Review status: no assertion criteria provided. Collection method: clinical testing. Allele origin: germline.
Comment: The NM_000138.5:c.7650_7655del, in-frame deletion variant is considered to be rare in the general population database (gnomAD v2.1.1). In summary, the available evidence is currently insufficient to evaluate the pathogenicity of this variant, resulting its classification as a variant of uncertain significance (PM4, PS2_P, PM2_P).

Literature cited by the submitters: PubMed 37558401.

NM_000138.5(FBN1):c.7650_7655del (p.Glu2551_Cys2552del)

Gene: FBN1 (fibrillin 1; minus strand). Cytogenetic location: 15q21.1.
Variant type: Deletion.
Coding change: c.7650_7655del on transcript NM_000138.5 (MANE Select); coding-DNA positions 7650 to 7655, 6 bases deleted (TGAATG; older notation c.7650_7655delTGAATG).
Protein change: p.Glu2551_Cys2552del.
Molecular consequence: inframe deletion.
Genome position (GRCh38, 1-based): chr15:48,421,602-48,421,607, CATTCA deleted on the plus strand (TGAATG on the coding strand, the reverse complement: FBN1 is on the minus strand); deleting any 6 consecutive bases within chr15:48,421,602-48,421,609 gives the same sequence; the c. name uses the placement nearest the transcript's 3' end. VCF-style (leftmost placement, unchanged base first): chr15-48421601-GCATTCA-G. GRCh37 (hg19) VCF-style: chr15-48713798-GCATTCA-G.
Other names: c.7650_7655del, p.Glu2551_Cys2552del (NM_001406716.1).
Identifiers: ClinVar variation 3600259 (VCV003600259.1).